The following is an entry in ClinVar:

NM_177438.3(DICER1):c.2392A>G (p.Thr798Ala)

Gene: DICER1 (dicer 1, ribonuclease III; minus strand). Cytogenetic location: 14q32.13.
Variant type: single nucleotide variant.
Coding change: c.2392A>G on transcript NM_177438.3 (MANE Select); coding-DNA position 2392, A replaced by G.
Protein change: p.Thr798Ala; replaces threonine 798 with alanine.
Molecular consequence: missense variant.
Genome position (GRCh38, 1-based): chr14:95,108,368, T>C on the plus strand (A>G on the coding strand, the complement: DICER1 is on the minus strand). VCF-style: chr14-95108368-T-C. GRCh37 (hg19) VCF-style: chr14-95574705-T-C.
Other names: c.2392A>G, p.Thr798Ala (NM_001195573.1, NM_001271282.3, NM_001291628.2 and 1 more transcripts); short protein forms T798A.
Identifiers: ClinVar variation 846673 (VCV000846673.11), dbSNP rs1191387730, ClinGen allele CA390882141.

ClinVar aggregate classification (germline): Uncertain significance (1 of 4 stars; one submission).

Conditions:
DICER1-related tumor predisposition. Also called: DICER1 syndrome; DICER1-related pleuropulmonary blastoma cancer predisposition syndrome. Identifiers: Orphanet 284343, MedGen C3839822, MONDO:0100216.

Allele frequency attached by ClinVar (database versions not stated): gnomAD exomes below 0.00001.
gnomAD v4.1: 1 of 1,614,082 alleles (0.000062%); highest among the groups gnomAD compares: Non-Finnish European, 0.000085%; no homozygotes.

Submission:

Labcorp Genetics (formerly Invitae), Labcorp
Classification: Uncertain significance for DICER1-related tumor predisposition. Last evaluated: 2024-12-04. Review status: criteria provided, single submitter. Criteria: Invitae Variant Classification Sherloc (09022015). Collection method: clinical testing. Allele origin: germline.
Comment: This sequence change replaces threonine, which is neutral and polar, with alanine, which is neutral and non-polar, at codon 798 of the DICER1 protein (p.Thr798Ala). This variant is present in population databases (no rsID available, gnomAD 0.007%). This variant has not been reported in the literature in individuals affected with DICER1-related conditions. ClinVar contains an entry for this variant (Variation ID: 846673). Invitae Evidence Modeling of protein sequence and biophysical properties (such as structural, functional, and spatial information, amino acid conservation, physicochemical variation, residue mobility, and thermodynamic stability) indicates that this missense variant is not expected to disrupt DICER1 protein function with a negative predictive value of 95%. In summary, the available evidence is currently insufficient to determine the role of this variant in disease. Therefore, it has been classified as a Variant of Uncertain Significance.